The following is an entry in ClinVar:

NM_080680.3(COL11A2):c.2899-2A>G

Gene: COL11A2 (collagen type XI alpha 2 chain; minus strand). Cytogenetic location: 6p21.32.
Variant type: single nucleotide variant.
Coding change: c.2899-2A>G on transcript NM_080680.3 (MANE Select); the canonical splice acceptor site of the intron before coding-DNA position 2899, A replaced by G.
Molecular consequence: splice acceptor variant.
Genome position (GRCh38, 1-based): chr6:33,172,380, T>C on the plus strand (A>G on the coding strand, the complement: COL11A2 is on the minus strand). VCF-style: chr6-33172380-T-C. GRCh37 (hg19) VCF-style: chr6-33140157-T-C.
Other names: c.1873-2A>G (NM_001424111.1, NM_001424110.1); c.2578-2A>G (NM_080679.3); c.2641-2A>G (NM_080681.3); c.2719-2A>G (NM_001424108.1); c.2053-2A>G (NM_001424109.1); c.853-2A>G (NM_001424112.1).
Identifiers: ClinVar variation 2772074 (VCV002772074.3), dbSNP rs2534884314, ClinGen allele CA363637266.

ClinVar aggregate classification (germline): Likely pathogenic (1 of 4 stars; one submission).

Submission:

Labcorp Genetics (formerly Invitae), Labcorp
Classification: Likely pathogenic. Last evaluated: 2023-10-27. Review status: criteria provided, single submitter. Criteria: Invitae Variant Classification Sherloc (09022015). Collection method: clinical testing. Allele origin: germline.
Comment: This sequence change affects an acceptor splice site in intron 39 of the COL11A2 gene. It is expected to disrupt RNA splicing. Variants that disrupt the donor or acceptor splice site typically lead to a loss of protein function (PMID: 16199547), and loss-of-function variants in COL11A2 are known to be pathogenic (PMID: 10677296, 21204229). This variant is not present in population databases (gnomAD no frequency). This variant has not been reported in the literature in individuals affected with COL11A2-related conditions. Algorithms developed to predict the effect of sequence changes on RNA splicing suggest that this variant may disrupt the consensus splice site. In summary, the currently available evidence indicates that the variant is pathogenic, but additional data are needed to prove that conclusively. Therefore, this variant has been classified as Likely Pathogenic.

Literature cited by the submitters: PubMed 16199547; PubMed 10677296; PubMed 21204229.